The following is an entry in ClinVar:

ClinVar aggregate classification (germline): Conflicting classifications of pathogenicity. Review status: criteria provided, conflicting classifications (1 of 4 stars). 5 submissions from 5 submitters: Uncertain significance (1); Benign (1); Likely benign (3). Last evaluated 2025-11-03.

Conditions:
KMT2D-related disorder. Also called: KMT2D-Related Disorders.
Inborn genetic diseases. Identifiers: MedGen C0950123, MeSH D030342.
Kabuki syndrome. Also called: Kabuki make-up syndrome; NIIKAWA-KUROKI SYNDROME. Identifiers: Orphanet 2322, MedGen C0796004, MONDO:0016512.

Allele frequency attached by ClinVar (database versions not stated): ExAC 0.00001; gnomAD exomes 0.00003 and 0.00004; gnomAD 0.00005; TOPMed 0.00005.
gnomAD v4.1: 56 of 1,606,446 alleles (0.0035%); highest among the groups gnomAD compares: Non-Finnish European, 0.0043%; no homozygotes.

Submissions (5):

Labcorp Genetics (formerly Invitae), Labcorp
Classification: Benign for Kabuki syndrome. Last evaluated: 2025-11-03. Review status: criteria provided, single submitter. Criteria: Invitae Variant Classification Sherloc (09022015). Collection method: clinical testing. Allele origin: germline.

PreventionGenetics, part of Exact Sciences
Classification: Uncertain significance for KMT2D-related condition. Last evaluated: 2025-04-12. Review status: criteria provided, single submitter. Criteria: ACMG Guidelines, 2015. Collection method: clinical testing. Allele origin: germline.
Comment: The KMT2D c.13058C>T variant is predicted to result in the amino acid substitution p.Pro4353Leu. This variant has been reported in individuals with Kabuki syndrome phenotypes (Supplementary Table 3, Banka et al. 2012. PubMed ID: 22126750; Supplementary Table S3, Faundes et al. 2018. PubMed ID: 30459467). This variant is reported in 0.0072% of alleles in individuals of African descent in gnomAD. At this time, the clinical significance of this variant is uncertain due to the absence of conclusive functional and genetic evidence.

Blueprint Genetics
Classification: Likely benign. Last evaluated: 2024-03-15. Review status: criteria provided, single submitter. Criteria: ACMG Guidelines, 2015. Collection method: clinical testing. Allele origin: germline.

Ambry Genetics
Classification: Likely benign for Inborn genetic diseases. Last evaluated: 2023-10-26. Review status: criteria provided, single submitter. Criteria: Ambry Variant Classification Scheme 2023. Collection method: clinical testing. Allele origin: germline.

Center for Pediatric Genomic Medicine, Children's Mercy Hospital and Clinics
Classification: Likely benign. Last evaluated: 2014-11-26. Review status: criteria provided, single submitter. Criteria: ACMG Guidelines, 2015. Collection method: clinical testing. Allele origin: germline.
ClinVar note: Converted during submission from Likely Benign to Likely benign.

NM_003482.4(KMT2D):c.13058C>T (p.Pro4353Leu)

Gene: KMT2D (lysine methyltransferase 2D; minus strand). Cytogenetic location: 12q13.12.
Variant type: single nucleotide variant.
Coding change: c.13058C>T on transcript NM_003482.4 (MANE Select); coding-DNA position 13058, C replaced by T.
Protein change: p.Pro4353Leu; replaces proline 4353 with leucine.
Molecular consequence: missense variant.
Genome position (GRCh38, 1-based): chr12:49,031,647, G>A on the plus strand (C>T on the coding strand, the complement: KMT2D is on the minus strand). VCF-style: chr12-49031647-G-A. GRCh37 (hg19) VCF-style: chr12-49425430-G-A.
Other names: c.13058C>T (NM_003482.3); short protein forms P4353L.
Identifiers: ClinVar variation 235559 (VCV000235559.13), dbSNP rs778418522, ClinGen allele CA6546081.